The following is an entry in ClinVar:

NM_001039591.3(USP9X):c.1583del (p.Ala528fs)

Gene: USP9X (ubiquitin specific peptidase 9 X-linked; plus strand). Cytogenetic location: Xp11.4.
Variant type: Deletion.
Coding change: c.1583del on transcript NM_001039591.3 (MANE Select); coding-DNA position 1583, one base deleted (C; older notation c.1583delC).
Protein change: p.Ala528fs; shifts the reading frame from alanine 528.
Molecular consequence: frameshift variant.
Genome position (GRCh38, 1-based): chrX:41,148,532, C deleted. VCF-style (leftmost placement, unchanged base first): chrX-41148531-GC-G. GRCh37 (hg19) VCF-style: chrX-41007784-GC-G.
Other names: c.1583del, p.Ala528fs (NM_001039590.3, NM_001410748.1, NM_001410749.1 and 1 more transcripts); short protein forms A528fs.
Identifiers: ClinVar variation 4292524 (VCV004292524.1).
Genomic context (GRCh38, chrX:41,148,531, plus strand): 5'-TTGAACCTTCTGTGGAATCTGGCTCACAGTGATGATGTGCCTGTAGATATCATGGACCTG[GC>G]TCTCAGTGCCCACATAAAAATACTAGATTACAGTTGCTCCCAGGTAAGAGTGTACTGCTT-3'

ClinVar aggregate classification (germline): Likely pathogenic (1 of 4 stars; one submission).

Conditions:
Intellectual developmental disorder, X-linked 99, syndromic, female-restricted. Also called: Intellectual disability, X-linked 99, syndromic, female-restricted. Identifiers: MedGen C4225416, MONDO:0010502, OMIM 300968.

Submission:

3billion
Classification: Likely pathogenic for Intellectual developmental disorder, X-linked 99, syndromic, female-restricted. Last evaluated: 2024-08-22. Review status: criteria provided, single submitter. Criteria: ACMG Guidelines, 2015. Collection method: clinical testing. Allele origin: germline. Affected: yes.
Comment: The variant is not observed in the gnomAD v4.0.0 dataset. Predicted Consequence/Location: Frameshift: predicted to result in a loss or disruption of normal protein function through nonsense-mediated decay (NMD) or protein truncation. Multiple pathogenic variants are reported downstream of the variant. Therefore, this variant is classified as Likely pathogenic according to the recommendation of ACMG/AMP guideline.